The following is an entry in ClinVar:

NM_000229.2(LCAT):c.321C>A (p.Tyr107Ter)

Gene: LCAT (lecithin-cholesterol acyltransferase; minus strand). Cytogenetic location: 16q22.1.
Variant type: single nucleotide variant.
Coding change: c.321C>A on transcript NM_000229.2 (MANE Select); coding-DNA position 321, C replaced by A.
Protein change: p.Tyr107Ter; replaces tyrosine 107 with a stop codon.
Molecular consequence: nonsense.
Genome position (GRCh38, 1-based): chr16:67,942,967, G>T on the plus strand (C>A on the coding strand, the complement: LCAT is on the minus strand). VCF-style: chr16-67942967-G-T. GRCh37 (hg19) VCF-style: chr16-67976870-G-T.
Other names: Y83*; short protein forms Y107*.
Identifiers: ClinVar variation 3671 (VCV000003671.5), dbSNP rs121908055, ClinGen allele CA116426.

ClinVar aggregate classification (germline): Pathogenic/Likely pathogenic. Review status: criteria provided, multiple submitters, no conflicts (2 of 4 stars). 4 submissions from 4 submitters: Pathogenic (2); Likely pathogenic (1). 1 of the submissions does not count toward it. Last evaluated 2025-05-21.

Conditions:
Fish-eye disease (FED). Also called: DYSLIPOPROTEINEMIC CORNEAL DYSTROPHY; LCATA DEFICIENCY; ALPHA-LCAT DEFICIENCY. Identifiers: Orphanet 650, Orphanet 79292, MedGen C0342895, MONDO:0007620, OMIM 136120.
Norum disease. Also called: Familial lecithin cholesterol acyltransferase deficiency. Identifiers: Orphanet 79293, MedGen C0023195, MONDO:0009515, OMIM 245900.
LCAT deficiency. Also called: Lecithin Acyltransferase Deficiency. Identifiers: Orphanet 650, Orphanet 79293, MedGen C5779633, MONDO:0018999.

Allele frequency attached by ClinVar (database versions not stated): gnomAD exomes 0.00002; ExAC 0.00003; gnomAD 0.00003 and 0.00004; TOPMed 0.00003.
gnomAD v4.1: 68 of 1,613,774 alleles (0.0042%); highest among the groups gnomAD compares: Non-Finnish European, 0.0051%; no homozygotes.

Submissions (4):

Labcorp Genetics (formerly Invitae), Labcorp
Classification: Pathogenic. Last evaluated: 2025-05-21. Review status: criteria provided, single submitter. Criteria: Invitae Variant Classification Sherloc (09022015). Collection method: clinical testing. Allele origin: germline.
Comment: This sequence change creates a premature translational stop signal (p.Tyr107*) in the LCAT gene. It is expected to result in an absent or disrupted protein product. Loss-of-function variants in LCAT are known to be pathogenic (PMID: 15994445). This variant is present in population databases (rs121908055, gnomAD 0.005%). This premature translational stop signal has been observed in individual(s) with lecithin:cholesterol acyltransferase deficiency (PMID: 8432868, 30201532). ClinVar contains an entry for this variant (Variation ID: 3671). For these reasons, this variant has been classified as Pathogenic.

Department of Pathology and Laboratory Medicine, Sinai Health System
Classification: Likely pathogenic for Fish-eye disease; Norum disease. Last evaluated: 2023-06-13. Review status: criteria provided, single submitter. Criteria: ACMG Guidelines, 2015. Collection method: research. Allele origin: germline.

Fulgent Genetics
Classification: Pathogenic for Fish-eye disease; Norum disease. Last evaluated: 2022-01-03. Review status: criteria provided, single submitter. Criteria: ACMG Guidelines, 2015. Collection method: clinical testing. Allele origin: unknown.

OMIM
Classification: Pathogenic for LCAT DEFICIENCY. Last evaluated: 1993-02-01. Review status: no assertion criteria provided. Collection method: literature only. Allele origin: germline. Not counted in ClinVar's aggregate classification.

Literature cited by the submitters: PubMed 15994445 (cited by Labcorp Genetics (formerly Invitae), Labcorp); PubMed 8432868 (cited by Labcorp Genetics (formerly Invitae), Labcorp and OMIM); PubMed 30201532 (cited by Labcorp Genetics (formerly Invitae), Labcorp).